The following is an entry in ClinVar:

NM_001136239.4(PRDM6):c.1697_1699dup (p.Phe566_Thr567insIle)

Gene: PRDM6 (PR/SET domain 6; plus strand). Cytogenetic location: 5q23.2.
Variant type: Duplication.
Coding change: c.1697_1699dup on transcript NM_001136239.4 (MANE Select); coding-DNA positions 1697 to 1699, 3 bases duplicated (TCA; older notation c.1697_1699dupTCA).
Protein change: p.Phe566_Thr567insIle.
Genome position (GRCh38, 1-based): chr5:123,187,110-123,187,112, TCA duplicated. VCF-style (leftmost placement, unchanged base first): chr5-123187109-T-TTCA. GRCh37 (hg19) VCF-style: chr5-122522803-T-TTCA.
Identifiers: ClinVar variation 3377116 (VCV003377116.1).

ClinVar aggregate classification (germline): Uncertain significance (1 of 4 stars; one submission).

Conditions:
Patent ductus arteriosus 3 (PDA3). Identifiers: MedGen C4310753, MONDO:0024266, OMIM 617039.

Submission:

Victorian Clinical Genetics Services, Murdoch Childrens Research Institute
Classification: Uncertain significance for Patent ductus arteriosus 3. Last evaluated: 2024-10-09. Review status: criteria provided, single submitter. Criteria: ACMG Guidelines, 2015. Collection method: clinical testing. Allele origin: germline. Inheritance: Autosomal dominant inheritance. Affected: yes.
Comment: Based on the classification scheme VCGS_Germline_v1.3.4, this variant is classified as VUS-3A. Following criteria are met: 0102 - Loss of function is a known mechanism of disease in this gene and is associated with patent ductus arteriosus 3 (MIM#617039). PRDM6 knock-out in mice has been shown to recreate the patent ductus arteriosus phenotype (PMID: 35108221, 36749647). (I) 0107 - This gene is associated with autosomal dominant disease. (I) 0213 - In-frame insertion/deletion in a non-repetitive region that has high conservation. (SP) 0251 - This variant is heterozygous. (I) 0301 - Variant is absent from gnomAD (both v2 and v3). (SP) 0600 - Variant is located in the annotated zinc finger, C2H2 type domain (DECIPHER). (I) 0705 - No comparable in-frame insertion/deletion variants have previous evidence for pathogenicity. (I) 0807 - This variant has no previous evidence of pathogenicity. (I) 0905 - No published segregation evidence has been identified for this variant. (I) 1007 - No published functional evidence has been identified for this variant. (SP) Legend: (SP) - Supporting pathogenic, (I) - Information, (SB) - Supporting benign

Literature cited by the submitters: PubMed 35108221; PubMed 36749647.